The following is an entry in ClinVar:

NM_002485.5(NBN):c.2227C>T (p.Leu743Phe)

Gene: NBN (nibrin; minus strand). Cytogenetic location: 8q21.3.
Variant type: single nucleotide variant.
Coding change: c.2227C>T on transcript NM_002485.5 (MANE Select); coding-DNA position 2227, C replaced by T.
Protein change: p.Leu743Phe; replaces leucine 743 with phenylalanine.
Molecular consequence: missense variant.
Genome position (GRCh38, 1-based): chr8:89,937,033, G>A on the plus strand (C>T on the coding strand, the complement: NBN is on the minus strand). VCF-style: chr8-89937033-G-A. GRCh37 (hg19) VCF-style: chr8-90949261-G-A.
Other names: c.1981C>T, p.Leu661Phe (NM_001024688.3); short protein forms L661F, L743F.
Identifiers: ClinVar variation 1414806 (VCV001414806.8), dbSNP rs894189734, ClinGen allele CA371674752.

ClinVar aggregate classification (germline): Uncertain significance (1 of 4 stars; one submission).

Conditions:
Microcephaly, normal intelligence and immunodeficiency (NBS). Also called: Nijmegen breakage syndrome; Microcephaly with normal intelligence immunodeficiency and lymphoreticular malignancies; Nonsyndromal microcephaly autosomal recessive with normal intelligence; Seemanova syndrome 2; SEEMANOVA SYNDROME II; IMMUNODEFICIENCY, MICROCEPHALY, AND CHROMOSOMAL INSTABILITY. Identifiers: Orphanet 647, MedGen C0398791, MONDO:0009623, OMIM 251260.

Submission:

Labcorp Genetics (formerly Invitae), Labcorp
Classification: Uncertain significance for Microcephaly, normal intelligence and immunodeficiency. Last evaluated: 2021-10-13. Review status: criteria provided, single submitter. Criteria: Invitae Variant Classification Sherloc (09022015). Collection method: clinical testing. Allele origin: germline.
Comment: This sequence change replaces leucine with phenylalanine at codon 743 of the NBN protein (p.Leu743Phe). The leucine residue is moderately conserved and there is a small physicochemical difference between leucine and phenylalanine. This variant is not present in population databases (ExAC no frequency). This variant has not been reported in the literature in individuals with NBN-related conditions. Algorithms developed to predict the effect of missense changes on protein structure and function are either unavailable or do not agree on the potential impact of this missense change (SIFT: "Deleterious"; PolyPhen-2: "Probably Damaging"; Align-GVGD: "Class C0"). In summary, the available evidence is currently insufficient to determine the role of this variant in disease. Therefore, it has been classified as a Variant of Uncertain Significance.